The following is an entry in ClinVar:

NM_001378454.1(ALMS1):c.3686C>T (p.Thr1229Ile)

Gene: ALMS1 (ALMS1 centrosome and basal body associated protein; plus strand). Cytogenetic location: 2p13.1.
Variant type: single nucleotide variant.
Coding change: c.3686C>T on transcript NM_001378454.1 (MANE Select); coding-DNA position 3686, C replaced by T.
Protein change: p.Thr1229Ile; replaces threonine 1229 with isoleucine.
Molecular consequence: missense variant.
Genome position (GRCh38, 1-based): chr2:73,450,213, C>T. VCF-style: chr2-73450213-C-T. GRCh37 (hg19) VCF-style: chr2-73677340-C-T.
Other names: c.3689C>T, p.Thr1230Ile (NM_015120.4); short protein forms T1229I, T1230I.
Identifiers: ClinVar variation 4982582 (VCV004982582.1).

ClinVar aggregate classification (germline): Uncertain significance (1 of 4 stars; one submission).

Conditions:
ALMS1-related disorder. Also called: ALMS1-related condition.

Submission:

PreventionGenetics, part of Exact Sciences
Classification: Uncertain significance for ALMS1-related condition. Last evaluated: 2024-10-26. Review status: criteria provided, single submitter. Criteria: ACMG Guidelines, 2015. Collection method: clinical testing. Allele origin: germline.
Comment: The ALMS1 c.3689C>T variant is predicted to result in the amino acid substitution p.Thr1230Ile. To our knowledge, this variant has not been reported in the literature or in a large population database (gnomAD), indicating this variant is rare. At this time, the clinical significance of this variant is uncertain due to the absence of conclusive functional and genetic evidence.